The following is an entry in ClinVar:

NM_000277.3(PAH):c.60+5G>A

Gene: PAH (phenylalanine hydroxylase; minus strand). Cytogenetic location: 12q23.2.
Variant type: single nucleotide variant.
Coding change: c.60+5G>A on transcript NM_000277.3 (MANE Select); 5 bases into the intron after coding-DNA position 60, G replaced by A.
Molecular consequence: intron variant.
Genome position (GRCh38, 1-based): chr12:102,917,066, C>T on the plus strand (G>A on the coding strand, the complement: PAH is on the minus strand). VCF-style: chr12-102917066-C-T. GRCh37 (hg19) VCF-style: chr12-103310844-C-T.
Other names: c.60+5G>A (NM_001354304.2).
Identifiers: ClinVar variation 120281 (VCV000120281.2), dbSNP rs62514895, ClinGen allele CA267664.

ClinVar aggregate classification (germline): Likely pathogenic (0 of 4 stars; one submission).

Conditions:
Phenylketonuria (PKU). Also called: Phenylketonuria (PKU); FOLLING DISEASE; OLIGOPHRENIA PHENYLPYRUVICA; Phenylketonurias. Identifiers: Orphanet 716, MedGen C0031485, MONDO:0009861, OMIM 261600. Disease mechanism: loss of function.

Submission:

Inserm U 954, Faculté de Médecine de Nancy
Classification: Likely pathogenic for Phenylketonuria. Review status: no assertion criteria provided. Collection method: not provided. Allele origin: unknown.
ClinVar note: Converted during submission from probable-pathogenic to Likely pathogenic.